The following is an entry in ClinVar:

ClinVar aggregate classification (germline): Uncertain significance (1 of 4 stars; one submission).

Conditions:
Cystic fibrosis (CF). Also called: MUCOVISCIDOSIS. Identifiers: Orphanet 586, MedGen C0010674, MONDO:0009061, OMIM 219700. Disease mechanism: loss of function.

gnomAD v4.1: 1 of 1,465,748 alleles (0.000068%); highest among the groups gnomAD compares: African/African-American, 0.0014%; no homozygotes.

Submission:

Ambry Genetics
Classification: Uncertain significance for Cystic fibrosis. Last evaluated: 2025-03-20. Review status: criteria provided, single submitter. Criteria: Ambry Variant Classification Scheme 2023. Collection method: clinical testing. Allele origin: germline.
Comment: The c.273+5G>C intronic variant results from a G to C substitution 5 nucleotides after coding exon 3 in the CFTR gene. This nucleotide position is highly conserved in available vertebrate species. In silico splice site analysis predicts that this alteration will weaken the native splice donor site. Based on the available evidence, the clinical significance of this variant remains unclear.

NM_000492.4(CFTR):c.273+5G>C

Gene: CFTR (CF transmembrane conductance regulator; plus strand). Cytogenetic location: 7q31.2.
Variant type: single nucleotide variant.
Coding change: c.273+5G>C on transcript NM_000492.4 (MANE Select); 5 bases into the intron after coding-DNA position 273, G replaced by C.
Molecular consequence: intron variant.
Genome position (GRCh38, 1-based): chr7:117,509,147, G>C. VCF-style: chr7-117509147-G-C. GRCh37 (hg19) VCF-style: chr7-117149201-G-C.
Identifiers: ClinVar variation 4001819 (VCV004001819.1).